The following is an entry in ClinVar:

ClinVar aggregate classification (germline): Uncertain significance (1 of 4 stars; one submission).

gnomAD v4.1: 2 of 1,613,944 alleles (0.00012%); highest among the groups gnomAD compares: African/African-American, 0.0013%; no homozygotes.

Submission:

Labcorp Genetics (formerly Invitae), Labcorp
Classification: Uncertain significance. Last evaluated: 2025-01-31. Review status: criteria provided, single submitter. Criteria: Invitae Variant Classification Sherloc (09022015). Collection method: clinical testing. Allele origin: germline.
Comment: This sequence change replaces serine, which is neutral and polar, with proline, which is neutral and non-polar, at codon 632 of the ADGRA3 protein (p.Ser632Pro). This variant is not present in population databases (gnomAD no frequency). This variant has not been reported in the literature in individuals affected with ADGRA3-related conditions. An algorithm developed to predict the effect of missense changes on protein structure and function (PolyPhen-2) suggests that this variant is likely to be tolerated. In summary, the available evidence is currently insufficient to determine the role of this variant in disease. Therefore, it has been classified as a Variant of Uncertain Significance.

NM_145290.4(ADGRA3):c.1894T>C (p.Ser632Pro)

Gene: ADGRA3 (adhesion G protein-coupled receptor A3; minus strand). Cytogenetic location: 4p15.2.
Variant type: single nucleotide variant.
Coding change: c.1894T>C on transcript NM_145290.4 (MANE Select); coding-DNA position 1894, T replaced by C.
Protein change: p.Ser632Pro; replaces serine 632 with proline.
Molecular consequence: missense variant.
Genome position (GRCh38, 1-based): chr4:22,413,730, A>G on the plus strand (T>C on the coding strand, the complement: ADGRA3 is on the minus strand). VCF-style: chr4-22413730-A-G. GRCh37 (hg19) VCF-style: chr4-22415353-A-G.
Other names: short protein forms S632P.
Identifiers: ClinVar variation 3685928 (VCV003685928.2).